The following is an entry in ClinVar:

NM_001723.7(DST):c.6691A>G (p.Met2231Val)

Gene: DST (dystonin; minus strand). Cytogenetic location: 6p12.1.
Variant type: single nucleotide variant.
Coding change: c.6691A>G on transcript NM_001723.7 (MANE Plus Clinical); coding-DNA position 6691, A replaced by G.
Protein change: p.Met2231Val; replaces methionine 2231 with valine.
Molecular consequence: missense variant. On other transcripts: intron variant (10).
Genome position (GRCh38, 1-based): chr6:56,616,776, T>C on the plus strand (A>G on the coding strand, the complement: DST is on the minus strand). VCF-style: chr6-56616776-T-C. GRCh37 (hg19) VCF-style: chr6-56481574-T-C.
Other names: c.4831-2292A>G (NM_001144769.5); c.4930-2292A>G (NM_001374722.1, NM_001374736.1); c.4957-2292A>G (NM_001374734.1); c.4417-2292A>G (NM_001144770.2); c.4297-2292A>G (NM_001374730.1, NM_001386100.1, NM_183380.4 and 1 more transcripts); c.3319-2292A>G (NM_015548.5); short protein forms M2231V.
Identifiers: ClinVar variation 578729 (VCV000578729.10), dbSNP rs774919936, ClinGen allele CA3870113.

ClinVar aggregate classification (germline): Uncertain significance. Review status: criteria provided, multiple submitters, no conflicts (2 of 4 stars). 2 submissions from 2 submitters: Uncertain significance (2). Last evaluated 2025-12-05.

Conditions:
Epidermolysis bullosa simplex 3, localized or generalized intermediate, with BP230 deficiency (EBS3). Also called: Epidermolysis bullosa simplex due to BP230 deficiency; Epidermolysis bullosa simplex, autosomal recessive 2. Identifiers: Orphanet 412181, MedGen C3809470, MONDO:0014180, OMIM 615425.
Hereditary sensory and autonomic neuropathy type 6. Also called: HSAN VI; Neuropathy, hereditary sensory and autonomic, type VI. Identifiers: Orphanet 314381, MedGen C3539003, MONDO:0013839, OMIM 614653.

Allele frequency attached by ClinVar (database versions not stated): gnomAD 0.00001; TOPMed 0.00002; gnomAD exomes 0.00003; ExAC 0.00004.
gnomAD v4.1: 49 of 1,614,084 alleles (0.003%); highest among the groups gnomAD compares: South Asian, 0.019%; no homozygotes.

Submissions (2):

GeneDx
Classification: Uncertain significance. Last evaluated: 2025-12-05. Review status: criteria provided, single submitter. Criteria: GeneDx Variant Classification Process June 2021. Collection method: clinical testing. Allele origin: germline.
Comment: In silico analysis suggests that this missense variant does not alter protein structure/function; Has not been previously published as pathogenic or benign to our knowledge; Reported using the transcript encoding the epithelial isoform of the gene

Labcorp Genetics (formerly Invitae), Labcorp
Classification: Uncertain significance for Epidermolysis bullosa simplex 3, localized or generalized intermediate, with BP230 deficiency; Hereditary sensory and autonomic neuropathy type 6. Last evaluated: 2025-05-01. Review status: criteria provided, single submitter. Criteria: Invitae Variant Classification Sherloc (09022015). Collection method: clinical testing. Allele origin: germline.
Comment: This sequence change replaces methionine, which is neutral and non-polar, with valine, which is neutral and non-polar, at codon 2231 of the DST protein (p.Met2231Val). This variant is present in population databases (rs774919936, gnomAD 0.01%). This variant has not been reported in the literature in individuals affected with DST-related conditions. ClinVar contains an entry for this variant (Variation ID: 578729). An algorithm developed to predict the effect of missense changes on protein structure and function (PolyPhen-2) suggests that this variant is likely to be tolerated. In summary, the available evidence is currently insufficient to determine the role of this variant in disease. Therefore, it has been classified as a Variant of Uncertain Significance.